The following is an entry in ClinVar:

ClinVar aggregate classification (germline): Benign (1 of 4 stars; one submission).

Allele frequency attached by ClinVar (database versions not stated): TOPMed 0.14449; gnomAD 0.15280 and 0.15456; 1000 Genomes Project 30x 0.15709; 1000 Genomes Project 0.16054.
gnomAD v4.1: 23,360 of 151,766 alleles (15%); highest among the groups gnomAD compares: East Asian, 29%; 1,839 homozygotes.

Submission:

GeneDx
Classification: Benign. Last evaluated: 2018-06-14. Review status: criteria provided, single submitter. Criteria: GeneDx Variant Classification (06012015). Collection method: clinical testing. Allele origin: germline. Affected: yes.
Comment: This variant is considered likely benign or benign based on one or more of the following criteria: it is a conservative change, it occurs at a poorly conserved position in the protein, it is predicted to be benign by multiple in silico algorithms, and/or has population frequency not consistent with disease.

NM_000231.3(SGCG):c.196-197G>C

Gene: SGCG (sarcoglycan gamma; plus strand). Cytogenetic location: 13q12.12.
Variant type: single nucleotide variant.
Coding change: c.196-197G>C on transcript NM_000231.3 (MANE Select); 197 bases into the intron before coding-DNA position 196, G replaced by C.
Molecular consequence: intron variant.
Genome position (GRCh38, 1-based): chr13:23,234,414, G>C. VCF-style: chr13-23234414-G-C. GRCh37 (hg19) VCF-style: chr13-23808553-G-C.
Other names: c.250-197G>C (NM_001378244.1); c.196-197G>C (NM_001378245.1, NM_001378246.1).
Identifiers: ClinVar variation 671718 (VCV000671718.1), dbSNP rs7994953, ClinGen allele CA246643606.
Genomic context (GRCh38, chr13:23,234,414, plus strand): 5'-TGGTGATGGGCTCTTGAGTATTATAAAATGACTCTTGAAATTTTATATATGTTTTCTAAA[G>C]AGCTCTTTGTATTTATACAAGATTTAATGACATTGAATATTCAATTAAAGATGCAAAGTT-3'